The following is an entry in ClinVar:

NM_015425.6(POLR1A):c.5112G>T (p.Lys1704Asn)

Gene: POLR1A (RNA polymerase I subunit A; minus strand). Cytogenetic location: 2p11.2.
Variant type: single nucleotide variant.
Coding change: c.5112G>T on transcript NM_015425.6 (MANE Select); coding-DNA position 5112, G replaced by T.
Protein change: p.Lys1704Asn; replaces lysine 1704 with asparagine.
Molecular consequence: missense variant.
Genome position (GRCh38, 1-based): chr2:86,027,474, C>A on the plus strand (G>T on the coding strand, the complement: POLR1A is on the minus strand). VCF-style: chr2-86027474-C-A. GRCh37 (hg19) VCF-style: chr2-86254597-C-A.
Other names: short protein forms K1704N.
Identifiers: ClinVar variation 4708291 (VCV004708291.1).
Genomic context (GRCh38, chr2:86,027,474, plus strand): 5'-GGGTAGCTGCTATCTCAGAGGCTGCTTGAGCTCGAACAGGCCTGTCCCGCCCCTGACGAC[C>A]TTCCCGACCACAAGGCAGGCAGAAGGAGACCTCAGCTCATCGTGGGATCCTGACAGAGAC-3'
Protein context (NP_056240.2, residues 1694-1714): RSPSACLVVG[Lys1704Asn]VVRGGTGLFE

ClinVar aggregate classification (germline): Uncertain significance (1 of 4 stars; one submission).

gnomAD v4.1: 7 of 1,614,100 alleles (0.00043%); highest among the groups gnomAD compares: African/African-American, 0.0093%; no homozygotes.

Submission:

Labcorp Genetics (formerly Invitae), Labcorp
Classification: Uncertain significance. Last evaluated: 2025-10-18. Review status: criteria provided, single submitter. Criteria: Invitae Variant Classification Sherloc (09022015). Collection method: clinical testing. Allele origin: germline.
Comment: This sequence change replaces lysine, which is basic and polar, with asparagine, which is neutral and polar, at codon 1704 of the POLR1A protein (p.Lys1704Asn). This variant is present in population databases (no rsID available, gnomAD 0.01%). This variant has not been reported in the literature in individuals affected with POLR1A-related conditions. Invitae Evidence Modeling of protein sequence and biophysical properties (such as structural, functional, and spatial information, amino acid conservation, physicochemical variation, residue mobility, and thermodynamic stability) has been performed for this missense variant. However, the output from this modeling did not meet the statistical confidence thresholds required to predict the impact of this variant on POLR1A protein function. In summary, the available evidence is currently insufficient to determine the role of this variant in disease. Therefore, it has been classified as a Variant of Uncertain Significance.